The following is an entry in ClinVar:

NM_001367624.2(ZNF469):c.3391A>T (p.Arg1131Ter)

Gene: ZNF469 (zinc finger protein 469; plus strand). Cytogenetic location: 16q24.2.
Variant type: single nucleotide variant.
Coding change: c.3391A>T on transcript NM_001367624.2 (MANE Select); coding-DNA position 3391, A replaced by T.
Protein change: p.Arg1131Ter; replaces arginine 1131 with a stop codon.
Molecular consequence: nonsense.
Genome position (GRCh38, 1-based): chr16:88,430,861, A>T. VCF-style: chr16-88430861-A-T. GRCh37 (hg19) VCF-style: chr16-88497269-A-T.
Other names: short protein forms R1131*.
Identifiers: ClinVar variation 2827236 (VCV002827236.3), dbSNP rs2507583248, ClinGen allele CA397083828.

ClinVar aggregate classification (germline): Pathogenic (1 of 4 stars; one submission).

Allele frequency attached by ClinVar (database versions not stated): gnomAD exomes below 0.00001.
gnomAD v4.1: 1 of 1,536,878 alleles (0.000065%); highest among the groups gnomAD compares: Non-Finnish European, 0.000087%; no homozygotes.

Submission:

Labcorp Genetics (formerly Invitae), Labcorp
Classification: Pathogenic. Last evaluated: 2023-01-22. Review status: criteria provided, single submitter. Criteria: Invitae Variant Classification Sherloc (09022015). Collection method: clinical testing. Allele origin: germline.
Comment: For these reasons, this variant has been classified as Pathogenic. This variant disrupts a region of the ZNF469 protein in which other variant(s) (p.Arg3414Glyfs*59) have been determined to be pathogenic (PMID: 32671420). This suggests that this is a clinically significant region of the protein, and that variants that disrupt it are likely to be disease-causing. This variant has not been reported in the literature in individuals affected with ZNF469-related conditions. This variant is not present in population databases (gnomAD no frequency). This sequence change creates a premature translational stop signal (p.Arg1103*) in the ZNF469 gene. While this is not anticipated to result in nonsense mediated decay, it is expected to disrupt the last 2823 amino acid(s) of the ZNF469 protein.

Literature cited by the submitters: PubMed 32671420.